The following is an entry in ClinVar:

ClinVar aggregate classification (germline): Likely pathogenic. Review status: criteria provided, multiple submitters, no conflicts (2 of 4 stars). 2 submissions from 2 submitters: Likely pathogenic (2). Last evaluated 2024-09-27.

Allele frequency attached by ClinVar (database versions not stated): gnomAD exomes below 0.00001.
gnomAD v4.1: 1 of 1,594,400 alleles (0.000063%); highest among the groups gnomAD compares: Admixed American, 0.0017%; no homozygotes.

Submissions (2):

Genetic Services Laboratory, University of Chicago
Classification: Likely pathogenic. Last evaluated: 2024-09-27. Review status: criteria provided, single submitter. Criteria: ACMG Guidelines, 2015. Collection method: clinical testing. Allele origin: germline. Affected: yes.
Comment: DNA sequence analysis of the SLX4 gene demonstrated a sequence change, c.1693C>T, which results in the creation of a premature stop codon at amino acid position 565, p.Gln565*. This pathogenic sequence change is predicted to result in an abnormal transcript, which may be degraded, or may lead to the production of a truncated SLX4 protein with potentially abnormal function. This sequence change has been described in the gnomAD database in one individual which corresponds to a population frequency of 0.0004% (dbSNP rs1046422222). While this sequence change has not previously been described in the literature, other loss-of-function variants in the SLX4 gene have been described as pathogenic (PMID: 21240277). These collective evidences indicate that this sequence change is likely pathogenic, however functional studies have not been performed to prove this conclusively.

CeGaT Center for Human Genetics Tuebingen
Classification: Likely pathogenic. Last evaluated: 2020-10-01. Review status: criteria provided, single submitter. Criteria: CeGaT Center For Human Genetics Tuebingen Variant Classification Criteria Version 2. Collection method: clinical testing. Allele origin: germline. Affected: yes. Observed: 1 variant allele.

NM_032444.4(SLX4):c.1693C>T (p.Gln565Ter)

Gene: SLX4 (SLX4 structure-specific endonuclease subunit; minus strand). Cytogenetic location: 16p13.3.
Variant type: single nucleotide variant.
Coding change: c.1693C>T on transcript NM_032444.4 (MANE Select); coding-DNA position 1693, C replaced by T.
Protein change: p.Gln565Ter; replaces glutamine 565 with a stop codon.
Molecular consequence: nonsense.
Genome position (GRCh38, 1-based): chr16:3,596,384, G>A on the plus strand (C>T on the coding strand, the complement: SLX4 is on the minus strand). VCF-style: chr16-3596384-G-A. GRCh37 (hg19) VCF-style: chr16-3646385-G-A.
Other names: c.1693C>T (NM_032444.3); short protein forms Q565*.
Identifiers: ClinVar variation 1012391 (VCV001012391.39), dbSNP rs1046422222, ClinGen allele CA394527843.